The following is an entry in ClinVar:

NM_004006.3(DMD):c.2485C>T (p.Gln829Ter)

Gene: DMD (dystrophin; minus strand). Cytogenetic location: Xp21.1.
Variant type: single nucleotide variant.
Coding change: c.2485C>T on transcript NM_004006.3 (MANE Select); coding-DNA position 2485, C replaced by T.
Protein change: p.Gln829Ter; replaces glutamine 829 with a stop codon.
Molecular consequence: nonsense.
Genome position (GRCh38, 1-based): chrX:32,491,414, G>A on the plus strand (C>T on the coding strand, the complement: DMD is on the minus strand). VCF-style: chrX-32491414-G-A. GRCh37 (hg19) VCF-style: chrX-32509531-G-A.
Other names: c.2461C>T, p.Gln821Ter (NM_000109.4); c.2473C>T, p.Gln825Ter (NM_004009.3); c.2116C>T, p.Gln706Ter (NM_004010.3); short protein forms Q821*, Q829*, Q706*, Q825*.
Identifiers: ClinVar variation 439617 (VCV000439617.24), dbSNP rs753662330, ClinGen allele CA412672508.

ClinVar aggregate classification (germline): Pathogenic/Likely pathogenic. Review status: criteria provided, multiple submitters, no conflicts (2 of 4 stars). 5 submissions from 5 submitters: Pathogenic (4); Likely pathogenic (1). Last evaluated 2026-02-05.

Conditions:
Progressive muscular dystrophy. Identifiers: Orphanet 206644, MedGen C4551827, MONDO:0016106.
Duchenne muscular dystrophy (DMD). Also called: Duchenne Muscular Dystrophy (DMD); MUSCULAR DYSTROPHY, PSEUDOHYPERTROPHIC PROGRESSIVE, DUCHENNE TYPE. Identifiers: Orphanet 98896, MedGen C0013264, MONDO:0010679, OMIM 310200.
Becker muscular dystrophy (BMD). Also called: Becker Muscular Dystrophy (BMD); MUSCULAR DYSTROPHY, PSEUDOHYPERTROPHIC PROGRESSIVE, BECKER TYPE. Identifiers: Orphanet 98895, MedGen C0917713, MONDO:0010311, OMIM 300376.

Submissions (5):

Myriad Genetics, Inc.
Classification: Pathogenic for Progressive muscular dystrophy. Last evaluated: 2026-02-05. Review status: criteria provided, single submitter. Criteria: Myriad Autosomal Dominant, Autosomal Recessive and X-Linked Classification Criteria (2023). Collection method: clinical testing. Allele origin: unknown.
Comment: NM_004006.2(DMD):c.2485C>T(Q829*) is a nonsense variant classified as pathogenic in the context of dystrophinopathy (including Duchenne/Becker muscular dystrophy). Q829* has been observed in a case with relevant disease (PMID: 19937601). Relevant functional assessments of this variant are not available in the literature. Q829* has not been observed in referenced population frequency databases. In summary, NM_004006.2(DMD):c.2485C>T(Q829*) is a nonsense variant in a gene where loss of function is a known mechanism of disease, is predicted to disrupt protein function, and has been observed more frequently in cases with the relevant disease than in healthy populations. Please note: this variant was assessed in the context of healthy population screening.

Baylor Genetics
Classification: Pathogenic for Becker muscular dystrophy. Last evaluated: 2023-12-27. Review status: criteria provided, single submitter. Criteria: ACMG Guidelines, 2015. Collection method: clinical testing. Allele origin: unknown.

Revvity Omics, Revvity
Classification: Likely pathogenic. Last evaluated: 2022-09-09. Review status: criteria provided, single submitter. Criteria: ACMG Guidelines, 2015. Collection method: clinical testing. Allele origin: germline.

Labcorp Genetics (formerly Invitae), Labcorp
Classification: Pathogenic for Duchenne muscular dystrophy. Last evaluated: 2019-10-29. Review status: criteria provided, single submitter. Criteria: Invitae Variant Classification Sherloc (09022015). Collection method: clinical testing. Allele origin: germline.
Comment: For these reasons, this variant has been classified as Pathogenic. This sequence change creates a premature translational stop signal (p.Gln829*) in the DMD gene. It is expected to result in an absent or disrupted protein product. This variant is not present in population databases (ExAC no frequency). This variant has been observed in individual(s) with Duchenne muscular dystrophy (PMID: 19937601). ClinVar contains an entry for this variant (Variation ID: 439617). Loss-of-function variants in DMD are known to be pathogenic (PMID: 16770791, 25007885).

ARUP Laboratories, Molecular Genetics and Genomics, ARUP Laboratories
Classification: Pathogenic. Last evaluated: 2017-03-09. Review status: criteria provided, single submitter. Criteria: ARUP Molecular Germline Variant Investigation Process. Collection method: clinical testing. Allele origin: germline.

Literature cited by the submitters: PubMed 19937601 (cited by Myriad Genetics, Inc. and Labcorp Genetics (formerly Invitae), Labcorp); PubMed 16770791 (cited by Labcorp Genetics (formerly Invitae), Labcorp); PubMed 25007885 (cited by Labcorp Genetics (formerly Invitae), Labcorp).